The following is an entry in ClinVar:

ClinVar aggregate classification (germline): Benign/Likely benign. Review status: criteria provided, multiple submitters, no conflicts (2 of 4 stars). 10 submissions from 10 submitters: Benign (3); Likely benign (4). 3 of the submissions do not count toward it. Last evaluated 2026-03-02.

Conditions:
Cardiovascular phenotype. Identifiers: MedGen CN230736.
Alstrom syndrome (ALMS). Identifiers: Orphanet 64, MedGen C0268425, MONDO:0008763, OMIM 203800.

Allele frequency attached by ClinVar (database versions not stated): gnomAD exomes 0.00063; ExAC 0.00075; 1000 Genomes Project 0.00160; 1000 Genomes Project 30x 0.00187; ESP Exome Variant Server 0.00243; TOPMed 0.00286; gnomAD 0.00297.
gnomAD v4.1: 788 of 1,608,156 alleles (0.049%); highest among the groups gnomAD compares: African/African-American, 0.95%; 6 homozygotes.

Submissions (10):

Women's Health and Genetics/Laboratory Corporation of America, LabCorp
Classification: Likely benign. Last evaluated: 2026-03-02. Review status: criteria provided, single submitter. Criteria: LabCorp Variant Classification Summary - May 2015. Collection method: clinical testing. Allele origin: germline.

Labcorp Genetics (formerly Invitae), Labcorp
Classification: Benign for Alstrom syndrome. Last evaluated: 2026-01-28. Review status: criteria provided, single submitter. Criteria: Invitae Variant Classification Sherloc (09022015). Collection method: clinical testing. Allele origin: germline.

Blueprint Genetics
Classification: Likely benign. Last evaluated: 2024-10-02. Review status: criteria provided, single submitter. Criteria: ACMG Guidelines, 2015. Collection method: clinical testing. Allele origin: germline.

GeneDx
Classification: Benign. Last evaluated: 2019-05-03. Review status: criteria provided, single submitter. Criteria: GeneDx Variant Classification Process June 2021. Collection method: clinical testing. Allele origin: germline. Affected: yes.

Ambry Genetics
Classification: Likely benign for Cardiovascular phenotype. Last evaluated: 2019-01-02. Review status: criteria provided, single submitter. Criteria: Ambry Variant Classification Scheme 2023. Collection method: clinical testing. Allele origin: germline.

Eurofins Ntd Llc (ga)
Classification: Likely benign. Last evaluated: 2017-05-10. Review status: criteria provided, single submitter. Criteria: EGL Classification Definitions 2015. Collection method: clinical testing. Allele origin: germline. Observed: 1 variant allele, 1 heterozygote.

Laboratory for Molecular Medicine, Mass General Brigham Personalized Medicine
Classification: Benign. Last evaluated: 2016-03-21. Review status: criteria provided, single submitter. Criteria: LMM Criteria. Collection method: clinical testing. Allele origin: germline. Observed: 2 variant alleles.
Comment: p.Val3487Val in exon 16 of ALMS1: This variant is not expected to have clinical significance because it does not alter an amino acid residue, is not located wit hin the splice consensus sequence, and has been identified in 0.88% (86/9770) of African chromosomes by the Exome Aggregation Consortium (ExAC; dbSNP rs28730858).

Clinical Genetics DNA and cytogenetics Diagnostics Lab, Erasmus MC, Erasmus Medical Center
Classification: Likely benign. Review status: no assertion criteria provided. Collection method: clinical testing. Allele origin: germline. Affected: yes. Study: VKGL Data-share Consensus. Not counted in ClinVar's aggregate classification.

Clinical Genetics, Academic Medical Center
Classification: Benign. Review status: no assertion criteria provided. Collection method: clinical testing. Allele origin: germline. Affected: yes. Study: VKGL Data-share Consensus. Not counted in ClinVar's aggregate classification.

Genome Diagnostics Laboratory, University Medical Center Utrecht
Classification: Benign. Review status: no assertion criteria provided. Collection method: clinical testing. Allele origin: germline. Affected: yes. Study: VKGL Data-share Consensus. Not counted in ClinVar's aggregate classification.

NM_001378454.1(ALMS1):c.10464A>G (p.Val3488=)

Gene: ALMS1 (ALMS1 centrosome and basal body associated protein; plus strand). Cytogenetic location: 2p13.1.
Variant type: single nucleotide variant.
Coding change: c.10464A>G on transcript NM_001378454.1 (MANE Select); coding-DNA position 10464, A replaced by G.
Protein change: p.Val3488=; no amino-acid change (valine 3488 retained).
Molecular consequence: synonymous variant.
Genome position (GRCh38, 1-based): chr2:73,572,341, A>G. VCF-style: chr2-73572341-A-G. GRCh37 (hg19) VCF-style: chr2-73799468-A-G.
Other names: c.10467A>G, p.Val3489= (NM_015120.4).
Identifiers: ClinVar variation 240973 (VCV000240973.27), dbSNP rs28730858, ClinGen allele CA1715008.